The following is an entry in ClinVar:

ClinVar aggregate classification (germline): Uncertain significance (1 of 4 stars; one submission).

Submission:

Labcorp Genetics (formerly Invitae), Labcorp
Classification: Uncertain significance. Last evaluated: 2022-10-04. Review status: criteria provided, single submitter. Criteria: Invitae Variant Classification Sherloc (09022015). Collection method: clinical testing. Allele origin: germline.
Comment: This variant is a gross deletion of the genomic region encompassing exon(s) 4 of the TK2 gene. This variant would be expected to be in-frame, preserving the integrity of the reading frame. This variant has not been reported in the literature in individuals affected with TK2-related conditions. Experimental studies and prediction algorithms are not available or were not evaluated, and the functional significance of this variant is currently unknown. In summary, the available evidence is currently insufficient to determine the role of this variant in disease. Therefore, it has been classified as a Variant of Uncertain Significance.

NC_000016.9:g.(?_66570847)_(66570940_?)del

Gene: TK2 (thymidine kinase 2; minus strand). Cytogenetic location: 16q21.
Variant type: Deletion.
Identifiers: ClinVar variation 1411260 (VCV001411260.6).